The following is an entry in ClinVar:

ClinVar aggregate classification (germline): Uncertain significance (1 of 4 stars; one submission).

Conditions:
Anauxetic dysplasia. Identifiers: Orphanet 93347, MedGen C1846796, MONDO:0011773.

Submission:

Labcorp Genetics (formerly Invitae), Labcorp
Classification: Uncertain significance for Anauxetic dysplasia. Last evaluated: 2022-06-22. Review status: criteria provided, single submitter. Criteria: Invitae Variant Classification Sherloc (09022015). Collection method: clinical testing. Allele origin: germline.
Comment: This variant occurs in the RMRP gene, which encodes an RNA molecule that does not result in a protein product. This variant is not present in population databases (gnomAD no frequency). This variant has not been reported in the literature in individuals affected with RMRP-related conditions. In summary, the available evidence is currently insufficient to determine the role of this variant in disease. Therefore, it has been classified as a Variant of Uncertain Significance.

NC_000009.12:g.35657848C>G

Gene: RMRP (RNA component of mitochondrial RNA processing endoribonuclease; minus strand). Cytogenetic location: 9p13.3.
Variant type: single nucleotide variant.
Genome position: GRCh38 VCF-style: chr9-35657848-C-G. GRCh37 (hg19) VCF-style: chr9-35657845-C-G.
Identifiers: ClinVar variation 2425703 (VCV002425703.9), dbSNP rs995230090, ClinGen allele CA464450647.